The following is an entry in ClinVar:

ClinVar aggregate classification (germline): Pathogenic. Review status: reviewed by expert panel (3 of 4 stars). 10 submissions from 10 submitters: Pathogenic (1). 9 of the submissions do not count toward it. Last evaluated 2016-09-08.

Conditions:
BRCA2-related cancer predisposition. Identifiers: MedGen CN377758, MONDO:0700269.
Hereditary cancer-predisposing syndrome. Also called: Hereditary Cancer Syndrome; Neoplastic Syndromes, Hereditary; Hereditary neoplastic syndrome; Tumor predisposition. Identifiers: Orphanet 140162, MedGen C0027672, MeSH D009386, MONDO:0015356.
Hereditary breast ovarian cancer syndrome. Also called: Breast and ovarian cancer; Hereditary breast and/or ovarian cancer syndrome; Hereditary breast and ovarian cancer; Hereditary breast and ovarian cancer syndrome; Hereditary breast and ovarian cancer syndrome (HBOC); BRCA1- and BRCA2-Associated Hereditary Breast and Ovarian Cancer. Identifiers: Orphanet 145, MedGen C0677776, MeSH D061325, MONDO:0003582. Disease mechanism: loss of function.
Breast-ovarian cancer, familial, susceptibility to, 2 (BROVCA2). Also called: BRCA2 Hereditary Breast and Ovarian Cancer. Identifiers: Orphanet 145, MedGen C2675520, MONDO:0012933, OMIM 612555. Disease mechanism: loss of function.

Submissions (10):

Evidence-based Network for the Interpretation of Germline Mutant Alleles (ENIGMA)
Classification: Pathogenic for Breast-ovarian cancer, familial, susceptibility to, 2. Last evaluated: 2016-09-08. Review status: reviewed by expert panel. Criteria: ENIGMA BRCA1/2 Classification Criteria (2015). Collection method: curation. Allele origin: germline.
Comment: Variant allele predicted to encode a truncated non-functional protein.

Labcorp Genetics (formerly Invitae), Labcorp
Classification: Pathogenic for Hereditary breast ovarian cancer syndrome. Last evaluated: 2025-10-01. Review status: criteria provided, single submitter. Criteria: Invitae Variant Classification Sherloc (09022015). Collection method: clinical testing. Allele origin: germline. Not counted in ClinVar's aggregate classification.
Comment: This sequence change creates a premature translational stop signal (p.Leu2946*) in the BRCA2 gene. It is expected to result in an absent or disrupted protein product. Loss-of-function variants in BRCA2 are known to be pathogenic (PMID: 20104584). This variant is not present in population databases (gnomAD no frequency). This variant has not been reported in the literature in individuals affected with BRCA2-related conditions. ClinVar contains an entry for this variant (Variation ID: 96874). Algorithms developed to predict the effect of sequence changes on RNA splicing suggest that this variant may disrupt the consensus splice site. For these reasons, this variant has been classified as Pathogenic.

Quest Diagnostics Nichols Institute San Juan Capistrano
Classification: Pathogenic. Last evaluated: 2024-12-18. Review status: criteria provided, single submitter. Criteria: Quest Diagnostics criteria. Collection method: clinical testing. Allele origin: unknown. Not counted in ClinVar's aggregate classification.
Comment: The BRCA2 c.8837T>A (p.Leu2946*) variant causes the premature termination of BRCA2 protein synthesis. This variant has been reported in the published literature in an individual with breast and pancreatic cancer (PMID: 29360161 (2018)), and in individuals with unspecified cancers (PMID: 31853058 (2020)). This variant has not been reported in large, multi-ethnic general populations (Genome Aggregation Database). Based on the available information, this variant is classified as pathogenic.

All of Us Research Program, National Institutes of Health
Classification: Pathogenic for BRCA2-related cancer predisposition. Last evaluated: 2024-08-08. Review status: criteria provided, single submitter. Criteria: ACMG Guidelines, 2015. Collection method: clinical testing. Allele origin: germline. Inheritance: Autosomal dominant inheritance. Observed: 1 variant allele, 1 heterozygote. Not counted in ClinVar's aggregate classification.
Comment: The c.8837T>A variant in the BRCA2 gene is located on exon 22 and introduces a premature translation termination codon (p.Leu2946*), resulting in an absent or disrupted protein product. The variant is reported in an individual with breast cancer and with the family history of breast and/or ovarian cancer (PMID: 29360161). Other protein termination codon variants in the same exon (p.Glu2947*, p.Gln2957*) have been reviewed as pathogenic by the expert panel (ClinVar ID: 91736, 38190). Loss-of-function variants in BRCA2 gene are known to be pathogenic (PMID: 8988179, 11897832, 29446198). The variant is reported in ClinVar as pathogenic (ID: 96874) and reviewed by the expert panel. The variant is absent in the general population database (gnomAD). Therefore, the c.8837T>A (p.Leu2946*) variant in the BRCA2 gene has been classified as pathogenic.

This study involves interpretation of variants in research participants for the purpose of population health screening. Participant phenotype was not available at the time of variant classification. Additional details can be found in publication PMID: 35346344, PMCID: PMC8962531

GeneDx
Classification: Pathogenic. Last evaluated: 2024-06-10. Review status: criteria provided, single submitter. Criteria: GeneDx Variant Classification Process June 2021. Collection method: clinical testing. Allele origin: germline. Affected: yes. Not counted in ClinVar's aggregate classification.
Comment: Nonsense variant predicted to result in protein truncation or nonsense mediated decay in a gene for which loss of function is a known mechanism of disease; Truncating variants in this gene are considered pathogenic by a well-established clinical consortium and/or database; Not observed at significant frequency in large population cohorts (gnomAD); Also known as 9065T>A; This variant is associated with the following publications: (PMID: 30787465, 33277227, 28152038, 29360161)

Ambry Genetics
Classification: Pathogenic for Hereditary cancer-predisposing syndrome. Last evaluated: 2023-12-19. Review status: criteria provided, single submitter. Criteria: Ambry Variant Classification Scheme 2023. Collection method: clinical testing. Allele origin: germline. Not counted in ClinVar's aggregate classification.
Comment: The p.L2946* pathogenic mutation (also known as c.8837T>A), located in coding exon 21 of the BRCA2 gene, results from a T to A substitution at nucleotide position 8837. This changes the amino acid from a leucine to a stop codon within coding exon 21. This alteration is expected to result in loss of function by premature protein truncation or nonsense-mediated mRNA decay. As such, this alteration is interpreted as a disease-causing mutation.

Color Diagnostics, LLC DBA Color Health
Classification: Pathogenic for Hereditary cancer-predisposing syndrome. Last evaluated: 2020-02-11. Review status: criteria provided, single submitter. Criteria: ACMG Guidelines, 2015. Collection method: clinical testing. Allele origin: germline. Not counted in ClinVar's aggregate classification.
Comment: This variant changes 1 nucleotide in exon 22 of the BRCA2 gene, creating a premature translation stop signal. This variant is expected to result in an absent or non-functional protein product. This variant has not been identified in the general population by the Genome Aggregation Database (gnomAD). Loss of BRCA2 function is a known mechanism of disease. Based on the available evidence, this variant is classified as Pathogenic.

Women's Health and Genetics/Laboratory Corporation of America, LabCorp
Classification: Pathogenic for Hereditary breast and ovarian cancer syndrome. Last evaluated: 2019-07-29. Review status: criteria provided, single submitter. Criteria: LabCorp Variant Classification Summary - May 2015. Collection method: clinical testing. Allele origin: germline. Not counted in ClinVar's aggregate classification.
Comment: Variant summary: BRCA2 c.8837T>A (p.Leu2946X) results in a premature termination codon, predicted to cause a truncation of the encoded protein or absence of the protein due to nonsense mediated decay, which are commonly known mechanisms for disease. Truncations downstream of this position have been classified as pathogenic by our laboratory. The variant was absent in 250816 control chromosomes (gnomAD). The variant, c.8837T>A, has been reported in the literature in one individual affected with Hereditary Breast and Ovarian Cancer (Dudley_2018). The data indicate that the variant may be associated with disease. To our knowledge, no experimental evidence demonstrating an impact on protein function has been reported. Seven ClinVar submissions including one expert panel (ENIGMA) (evaluation after 2014) cited the variant as pathogenic. Based on the evidence outlined above, the variant was classified as pathogenic.

ARUP Laboratories, Molecular Genetics and Genomics, ARUP Laboratories
Classification: Pathogenic. Last evaluated: 2016-08-12. Review status: criteria provided, single submitter. Criteria: ARUP Molecular Germline Variant Investigation Process. Collection method: clinical testing. Allele origin: germline. Not counted in ClinVar's aggregate classification.

Sharing Clinical Reports Project (SCRP)
Classification: Pathogenic for Breast-ovarian cancer, familial 2. Last evaluated: 2012-05-01. Review status: no assertion criteria provided. Collection method: clinical testing. Allele origin: germline. Not counted in ClinVar's aggregate classification.

Literature cited by the submitters: PubMed 20104584 (cited by Labcorp Genetics (formerly Invitae), Labcorp); PubMed 29360161 (cited by 3 submitters); PubMed 31853058 (cited by Quest Diagnostics Nichols Institute San Juan Capistrano); PubMed 8988179 (cited by All of Us Research Program, National Institutes of Health); PubMed 11897832 (cited by All of Us Research Program, National Institutes of Health); PubMed 29446198 (cited by All of Us Research Program, National Institutes of Health); PubMed 28152038 (cited by Women's Health and Genetics/Laboratory Corporation of America, LabCorp).

NM_000059.4(BRCA2):c.8837T>A (p.Leu2946Ter)

Gene: BRCA2 (BRCA2 DNA repair associated; plus strand). Cytogenetic location: 13q13.1.
Variant type: single nucleotide variant.
Coding change: c.8837T>A on transcript NM_000059.4 (MANE Select); coding-DNA position 8837, T replaced by A.
Protein change: p.Leu2946Ter; replaces leucine 2946 with a stop codon.
Molecular consequence: nonsense.
Genome position (GRCh38, 1-based): chr13:32,379,399, T>A. VCF-style: chr13-32379399-T-A. GRCh37 (hg19) VCF-style: chr13-32953536-T-A.
Other names: 9065T>A; short protein forms L2946*.
Identifiers: ClinVar variation 96874 (VCV000096874.27), dbSNP rs431825371, ClinGen allele CA025845.